The following is an entry in ClinVar:

NM_001376.5(DYNC1H1):c.7632A>G (p.Glu2544=)

Gene: DYNC1H1 (dynein cytoplasmic 1 heavy chain 1; plus strand). Cytogenetic location: 14q32.31.
Variant type: single nucleotide variant.
Coding change: c.7632A>G on transcript NM_001376.5 (MANE Select); coding-DNA position 7632, A replaced by G.
Protein change: p.Glu2544=; no amino-acid change (glutamic acid 2544 retained).
Molecular consequence: synonymous variant.
Genome position (GRCh38, 1-based): chr14:102,016,783, A>G. VCF-style: chr14-102016783-A-G. GRCh37 (hg19) VCF-style: chr14-102483120-A-G.
Other names: p.Glu2544=.
Identifiers: ClinVar variation 128943 (VCV000128943.38), dbSNP rs17512460, ClinGen allele CA152656.

ClinVar aggregate classification (germline): Benign. Review status: criteria provided, multiple submitters, no conflicts (2 of 4 stars). 13 submissions from 12 submitters: Benign (10). 3 of the submissions do not count toward it. Last evaluated 2026-02-03.

Conditions:
Autosomal dominant cerebellar ataxia. Also called: Spinocerebellar Ataxia, Dominant. Identifiers: Orphanet 99, MedGen C4087347, MONDO:0020380.
Inborn genetic diseases. Identifiers: MedGen C0950123, MeSH D030342.
Charcot-Marie-Tooth disease. Also called: Charcot-Marie-Tooth Neuropathy; Charcot-Marie-Tooth Hereditary Neuropathy. Identifiers: Orphanet 166, MedGen C0007959, MONDO:0015626.
Charcot-Marie-Tooth disease axonal type 2O. Also called: CHARCOT-MARIE-TOOTH NEUROPATHY, AXONAL, TYPE 2O; CHARCOT-MARIE-TOOTH DISEASE, AXONAL, AUTOSOMAL DOMINANT, TYPE 2O; Charcot-Marie-Tooth Neuropathy Type 2O; Charcot-Marie-Tooth disease, axonal, type 20. Identifiers: Orphanet 284232, MedGen C3280220, MONDO:0013644, OMIM 614228.

Allele frequency attached by ClinVar (database versions not stated): ESP Exome Variant Server 0.00069; gnomAD exomes 0.00369 and 0.01174; gnomAD 0.00447 and 0.00559; TOPMed 0.00728; ExAC 0.01048; 1000 Genomes Project 30x 0.01686; 1000 Genomes Project 0.01797.
gnomAD v4.1: 6,289 of 1,613,836 alleles (0.39%); highest among the groups gnomAD compares: Admixed American, 4.2%; 138 homozygotes.

Submissions (13):

Labcorp Genetics (formerly Invitae), Labcorp
Classification: Benign for Charcot-Marie-Tooth disease axonal type 2O. Last evaluated: 2026-02-03. Review status: criteria provided, single submitter. Criteria: Invitae Variant Classification Sherloc (09022015). Collection method: clinical testing. Allele origin: germline.

ARUP Laboratories, Molecular Genetics and Genomics, ARUP Laboratories
Classification: Benign. Last evaluated: 2023-10-14. Review status: criteria provided, single submitter. Criteria: ARUP Molecular Germline Variant Investigation Process 2024. Collection method: clinical testing. Allele origin: germline.

Athena Diagnostics
Classification: Benign. Last evaluated: 2021-04-07. Review status: criteria provided, single submitter. Criteria: Athena Diagnostics criteria. Collection method: clinical testing. Allele origin: unknown.

Illumina Laboratory Services, Illumina
Classification: Benign for Spinocerebellar Ataxia, Dominant. Last evaluated: 2018-01-12. Review status: criteria provided, single submitter. Criteria: ICSL Variant Classification Criteria 13 December 2019. Collection method: clinical testing. Allele origin: germline.
Comment: This variant was observed in the ICSL laboratory as part of a predisposition screen in an ostensibly healthy population. It had not been previously curated by ICSL or reported in the Human Gene Mutation Database (HGMD: prior to June 1st, 2018), and was therefore a candidate for classification through an automated scoring system. Utilizing variant allele frequency, disease prevalence and penetrance estimates, and inheritance mode, an automated score was calculated to assess if this variant is too frequent to cause the disease. Based on the score and internal cut-off values, a variant classified as benign is not then subjected to further curation. The score for this variant resulted in a classification of benign for this disease.

Illumina Laboratory Services, Illumina
Classification: Benign for Charcot-Marie-Tooth disease axonal type 2O. Last evaluated: 2018-01-12. Review status: criteria provided, single submitter. Criteria: ICSL Variant Classification Criteria 13 December 2019. Collection method: clinical testing. Allele origin: germline.
Comment: the same text as in the submission from Illumina Laboratory Services, Illumina above.

Mayo Clinic Laboratories, Mayo Clinic
Classification: Benign. Last evaluated: 2016-06-15. Review status: criteria provided, single submitter. Criteria: ACMG Guidelines, 2015. Collection method: clinical testing. Allele origin: germline. Observed: 12 variant alleles.

Ambry Genetics
Classification: Benign for Inborn genetic diseases. Last evaluated: 2016-03-21. Review status: criteria provided, single submitter. Criteria: Ambry Variant Classification Scheme 2023. Collection method: clinical testing. Allele origin: germline.

GeneDx
Classification: Benign. Last evaluated: 2015-03-03. Review status: criteria provided, single submitter. Criteria: GeneDx Variant Classification Process June 2021. Collection method: clinical testing. Allele origin: germline. Affected: yes.

Breakthrough Genomics
Classification: Benign. Review status: criteria provided, single submitter. Criteria: ACMG Guidelines, 2015. Collection method: not provided. Allele origin: germline. Inheritance: Autosomal dominant inheritance. Affected: yes.

Molecular Genetics Laboratory, London Health Sciences Centre
Classification: Benign for Charcot-Marie-Tooth disease. Review status: criteria provided, single submitter. Criteria: ACMG Guidelines, 2015. Collection method: clinical testing. Allele origin: germline. Affected: yes.

Clinical Genetics DNA and cytogenetics Diagnostics Lab, Erasmus MC, Erasmus Medical Center
Classification: Benign. Review status: no assertion criteria provided. Collection method: clinical testing. Allele origin: germline. Affected: yes. Study: VKGL Data-share Consensus. Not counted in ClinVar's aggregate classification.

Clinical Genetics, Academic Medical Center
Classification: Benign. Review status: no assertion criteria provided. Collection method: clinical testing. Allele origin: germline. Affected: yes. Study: VKGL Data-share Consensus. Not counted in ClinVar's aggregate classification.

Genetic Services Laboratory, University of Chicago
Classification: Likely benign for AllHighlyPenetrant. Review status: no assertion criteria provided. Collection method: clinical testing. Allele origin: germline. Inheritance: Autosomal dominant inheritance. Not counted in ClinVar's aggregate classification.
Comment: Likely benign based on allele frequency in 1000 Genomes Project or ESP global frequency and its presence in a patient with a rare or unrelated disease phenotype. NOT Sanger confirmed.